The following is an entry in ClinVar:

NM_000264.5(PTCH1):c.27G>T (p.Glu9Asp)

Genes: PTCH1 (patched 1; minus strand), LOC130002133 (ATAC-STARR-seq lymphoblastoid silent region 20071; plus strand). Cytogenetic location: 9q22.32.
Variant type: single nucleotide variant.
Coding change: c.27G>T on transcript NM_000264.5 (MANE Select); coding-DNA position 27, G replaced by T.
Protein change: p.Glu9Asp; replaces glutamic acid 9 with aspartic acid.
Molecular consequence: missense variant. On other transcripts: non-coding transcript variant (1), intron variant (3).
Genome position (GRCh38, 1-based): chr9:95,508,335, C>A on the plus strand (G>T on the coding strand, the complement: PTCH1 is on the minus strand). VCF-style: chr9-95508335-C-A. GRCh37 (hg19) VCF-style: chr9-98270617-C-A.
Other names: c.27G>T, p.Glu9Asp (NM_001354918.2); c.199-1736G>T (NM_001083603.3); c.4-1736G>T (NM_001083602.3, NM_001354919.2); short protein forms E9D.
Identifiers: ClinVar variation 1796202 (VCV001796202.3), dbSNP rs1354741081, ClinGen allele CA374121638.
Genomic context (GRCh38, chr9:95,508,335, plus strand): 5'-TCCAGCCGGCCGTCCCGGGGCACCGATACAGCCGCTGCCGCCGCCGCCGCGGTCCTGGGG[C>A]TCGGCGGCGTTACCAGCCGAGGCCATGTTGCCGCCGCCGCCGCCGCCGCCGCGGGGACGG-3'
Protein context (NP_000255.2, residues 1-19): MASAGNAA[Glu9Asp]PQDRGGGGSG

ClinVar aggregate classification (germline): Uncertain significance (1 of 4 stars; one submission).

Conditions:
Hereditary cancer-predisposing syndrome. Also called: Tumor predisposition; Hereditary Cancer Syndrome; Neoplastic Syndromes, Hereditary; Hereditary neoplastic syndrome. Identifiers: Orphanet 140162, MedGen C0027672, MeSH D009386, MONDO:0015356.

Allele frequency attached by ClinVar (database versions not stated): gnomAD 0.00001.

Submission:

Ambry Genetics
Classification: Uncertain significance for Hereditary cancer-predisposing syndrome. Last evaluated: 2025-03-07. Review status: criteria provided, single submitter. Criteria: Ambry Variant Classification Scheme 2023. Collection method: clinical testing. Allele origin: germline.
Comment: The p.E9D variant (also known as c.27G>T), located in coding exon 1 of the PTCH1 gene, results from a G to T substitution at nucleotide position 27. The glutamic acid at codon 9 is replaced by aspartic acid, an amino acid with highly similar properties. This amino acid position is well conserved in available vertebrate species. In addition, this alteration is predicted to be tolerated by in silico analysis. Based on the available evidence, the clinical significance of this variant remains unclear.